The following is an entry in ClinVar:

ClinVar aggregate classification (germline): Uncertain significance (1 of 4 stars; one submission).

Conditions:
Hereditary cancer-predisposing syndrome. Also called: Neoplastic Syndromes, Hereditary; Tumor predisposition; Hereditary Cancer Syndrome; Hereditary neoplastic syndrome. Identifiers: Orphanet 140162, MedGen C0027672, MeSH D009386, MONDO:0015356.

Submission:

Ambry Genetics
Classification: Uncertain significance for Hereditary cancer-predisposing syndrome. Last evaluated: 2026-03-14. Review status: criteria provided, single submitter. Criteria: Ambry Variant Classification Scheme 2023. Collection method: clinical testing. Allele origin: germline.
Comment: The p.K1704E variant (also known as c.5110A>G), located in coding exon 15 of the APC gene, results from an A to G substitution at nucleotide position 5110. The lysine at codon 1704 is replaced by glutamic acid, an amino acid with similar properties. This amino acid position is conserved. In addition, in silico predictors for this gene do not accurately predict pathogenicity. Based on the available evidence, the clinical significance of this variant remains unclear.

NM_000038.6(APC):c.5110A>G (p.Lys1704Glu)

Gene: APC (APC regulator of Wnt signaling pathway; plus strand). Cytogenetic location: 5q22.2.
Variant type: single nucleotide variant.
Coding change: c.5110A>G on transcript NM_000038.6 (MANE Select); coding-DNA position 5110, A replaced by G.
Protein change: p.Lys1704Glu; replaces lysine 1704 with glutamic acid.
Molecular consequence: missense variant. On other transcripts: non-coding transcript variant (2).
Genome position (GRCh38, 1-based): chr5:112,840,704, A>G. VCF-style: chr5-112840704-A-G. GRCh37 (hg19) VCF-style: chr5-112176401-A-G.
Other names: c.5164A>G, p.Lys1722Glu (NM_001407448.1, NM_001407449.1, NM_001354896.2 and 1 more transcripts); c.5110A>G, p.Lys1704Glu (NM_001407450.1, NM_001127510.3, NM_001354895.2); c.5089A>G, p.Lys1697Glu (NM_001407451.1); c.5080A>G, p.Lys1694Glu (NM_001407452.1); c.4933A>G, p.Lys1645Glu (NM_001407453.1, NM_001354901.2); c.4861A>G, p.Lys1621Glu (NM_001407454.1, NM_001407455.1, NM_001407456.1 and 1 more transcripts); c.4807A>G, p.Lys1603Glu (NM_001407458.1, NM_001407459.1, NM_001407460.1 and 1 more transcripts); c.4723A>G, p.Lys1575Glu (NM_001407467.1, NM_001407469.1); and 11 more; short protein forms K1544E, K1578E, K1613E, K1694E, K1663E, K1679E, K1704E, K1621E.
Identifiers: ClinVar variation 4827305 (VCV004827305.1).